The following is an entry in ClinVar:

ClinVar aggregate classification (germline): Likely benign. Review status: criteria provided, multiple submitters, no conflicts (2 of 4 stars). 2 submissions from 2 submitters: Likely benign (2). Last evaluated 2025-07-02.

Allele frequency attached by ClinVar (database versions not stated): gnomAD below 0.00001 and 0.00001; TOPMed 0.00001; ExAC 0.00004; gnomAD exomes 0.00004; 1000 Genomes Project 30x 0.00016; 1000 Genomes Project 0.00020.
gnomAD v4.1: 30 of 1,613,330 alleles (0.0019%); highest among the groups gnomAD compares: Middle Eastern, 0.017%; no homozygotes.

Submissions (2):

Labcorp Genetics (formerly Invitae), Labcorp
Classification: Likely benign. Last evaluated: 2025-07-02. Review status: criteria provided, single submitter. Criteria: Invitae Variant Classification Sherloc (09022015). Collection method: clinical testing. Allele origin: germline.

GeneDx
Classification: Likely benign. Last evaluated: 2017-04-21. Review status: criteria provided, single submitter. Criteria: GeneDx Variant Classification (06012015). Collection method: clinical testing. Allele origin: germline. Affected: yes.
Comment: This variant is considered likely benign or benign based on one or more of the following criteria: it is a conservative change, it occurs at a poorly conserved position in the protein, it is predicted to be benign by multiple in silico algorithms, and/or has population frequency not consistent with disease.

NM_017827.4(SARS2):c.1416C>T (p.Asp472=)

Gene: SARS2 (seryl-tRNA synthetase 2, mitochondrial; minus strand). Cytogenetic location: 19q13.2.
Variant type: single nucleotide variant.
Coding change: c.1416C>T on transcript NM_017827.4 (MANE Select); coding-DNA position 1416, C replaced by T.
Protein change: p.Asp472=; no amino-acid change (aspartic acid 472 retained).
Molecular consequence: synonymous variant.
Genome position (GRCh38, 1-based): chr19:38,915,747, G>A on the plus strand (C>T on the coding strand, the complement: SARS2 is on the minus strand). VCF-style: chr19-38915747-G-A. GRCh37 (hg19) VCF-style: chr19-39406387-G-A.
Other names: c.1422C>T, p.Asp474= (NM_001145901.2).
Identifiers: ClinVar variation 508267 (VCV000508267.2), dbSNP rs151125003, ClinGen allele CA9422704.